The following is an entry in ClinVar:

ClinVar aggregate classification (germline): Uncertain significance (1 of 4 stars; one submission).

Submission:

GeneDx
Classification: Uncertain significance. Last evaluated: 2025-04-09. Review status: criteria provided, single submitter. Criteria: GeneDx Variant Classification Process June 2021. Collection method: clinical testing. Allele origin: germline. Affected: yes.
Comment: Not observed at significant frequency in large population cohorts (gnomAD); In silico analysis indicates that this missense variant does not alter protein structure/function; Has not been previously published as pathogenic or benign to our knowledge

NM_000020.3(ACVRL1):c.383C>T (p.Ala128Val)

Gene: ACVRL1 (activin A receptor like type 1; plus strand). Cytogenetic location: 12q13.13.
Variant type: single nucleotide variant.
Coding change: c.383C>T on transcript NM_000020.3 (MANE Select); coding-DNA position 383, C replaced by T.
Protein change: p.Ala128Val; replaces alanine 128 with valine.
Molecular consequence: missense variant. On other transcripts: intron variant (6).
Genome position (GRCh38, 1-based): chr12:51,913,628, C>T. VCF-style: chr12-51913628-C-T. GRCh37 (hg19) VCF-style: chr12-52307412-C-T.
Other names: c.383C>T, p.Ala128Val (NM_001077401.2, NM_001406487.1, NM_001406488.1 and 1 more transcripts); c.313+278C>T (NM_001406491.1, NM_001406490.1, NM_001406492.1 and 2 more transcripts); c.62-811C>T (NM_001406495.1); short protein forms A128V.
Identifiers: ClinVar variation 4282491 (VCV004282491.1).